The following is an entry in ClinVar:

NM_021072.4(HCN1):c.127C>T (p.Pro43Ser)

Gene: HCN1 (hyperpolarization activated cyclic nucleotide gated potassium channel 1; minus strand). Cytogenetic location: 5p12.
Variant type: single nucleotide variant.
Coding change: c.127C>T on transcript NM_021072.4 (MANE Select); coding-DNA position 127, C replaced by T.
Protein change: p.Pro43Ser; replaces proline 43 with serine.
Molecular consequence: missense variant.
Genome position (GRCh38, 1-based): chr5:45,695,967, G>A on the plus strand (C>T on the coding strand, the complement: HCN1 is on the minus strand). VCF-style: chr5-45695967-G-A. GRCh37 (hg19) VCF-style: chr5-45696069-G-A.
Other names: short protein forms P43S.
Identifiers: ClinVar variation 3692275 (VCV003692275.2).

ClinVar aggregate classification (germline): Uncertain significance (1 of 4 stars; one submission).

Conditions:
Early-infantile DEE. Also called: Ohtahara syndrome; Early infantile epileptic encephalopathy with suppression bursts; Early infantile epileptic encephalopathy. Identifiers: Orphanet 1934, MedGen C0393706, MONDO:0800491.

gnomAD v4.1: 1 of 1,325,230 alleles (0.000075%); highest among the groups gnomAD compares: Non-Finnish European, 0.000096%; no homozygotes.

Submission:

Labcorp Genetics (formerly Invitae), Labcorp
Classification: Uncertain significance for Early-infantile DEE. Last evaluated: 2024-04-25. Review status: criteria provided, single submitter. Criteria: Invitae Variant Classification Sherloc (09022015). Collection method: clinical testing. Allele origin: germline.
Comment: This sequence change replaces proline, which is neutral and non-polar, with serine, which is neutral and polar, at codon 43 of the HCN1 protein (p.Pro43Ser). This variant is not present in population databases (gnomAD no frequency). This variant has not been reported in the literature in individuals affected with HCN1-related conditions. Advanced modeling of protein sequence and biophysical properties (such as structural, functional, and spatial information, amino acid conservation, physicochemical variation, residue mobility, and thermodynamic stability) performed at Invitae indicates that this missense variant is not expected to disrupt HCN1 protein function with a negative predictive value of 95%. In summary, the available evidence is currently insufficient to determine the role of this variant in disease. Therefore, it has been classified as a Variant of Uncertain Significance.